The following is an entry in ClinVar:

ClinVar aggregate classification (germline): Uncertain significance. Review status: reviewed by expert panel (3 of 4 stars). 2 submissions from 2 submitters: Uncertain significance (1). 1 of the submissions does not count toward it. Last evaluated 2024-04-29.

Conditions:
Recombinase activating gene 2 deficiency. Also called: RAG2 deficiency. Identifiers: MedGen CN257931, MONDO:0000573.
Histiocytic medullary reticulosis. Also called: SEVERE COMBINED IMMUNODEFICIENCY WITH HYPEREOSINOPHILIA; Omenn syndrome. Identifiers: Orphanet 39041, MedGen C2700553, MONDO:0011338, OMIM 603554.

Submissions (2):

ClinGen Severe Combined Immunodeficiency Variant Curation Expert Panel, ClinGen
Classification: Uncertain significance for Recombinase activating gene 2 deficiency. Last evaluated: 2024-04-29. Review status: reviewed by expert panel. Criteria: ClinGen SCID ACMG Specifications RAG2 V1.0.0. Collection method: curation. Allele origin: germline. Inheritance: Autosomal recessive inheritance.
Comment: NM_000536.4(RAG2):c.19A>G is a missense variant predicted to cause substitution of Threonine by Alanine at amino acid 7 (p.Thr7Ala). This missense variant is located in the core domain (amino acids 1-383) (PM1_supporting). The variant is absent in gnomAD v4 (PM2_supporting). To our knowledge, this variant has not been reported in the literature in individuals affected with RAG2 related conditions or in functional studies. In summary, this variant meets the criteria to be classified as a variant of uncertain significance for autosomal recessive severe combined immunodeficiency due to RAG2 deficiency based on the ACMG/AMP criteria applied, as specified by the ClinGen SCID VCEP:PM1_supporting, PM2_supporting (VCEP specifications version 1).

Natera, Inc.
Classification: Uncertain significance for Omenn syndrome. Last evaluated: 2020-04-13. Review status: no assertion criteria provided. Collection method: clinical testing. Allele origin: germline. Not counted in ClinVar's aggregate classification.

NM_000536.4(RAG2):c.19A>G (p.Thr7Ala)

Gene: RAG2 (recombination activating 2; minus strand). Cytogenetic location: 11p12.
Variant type: single nucleotide variant.
Coding change: c.19A>G on transcript NM_000536.4 (MANE Select); coding-DNA position 19, A replaced by G.
Protein change: p.Thr7Ala; replaces threonine 7 with alanine.
Molecular consequence: missense variant.
Genome position (GRCh38, 1-based): chr11:36,594,150, T>C on the plus strand (A>G on the coding strand, the complement: RAG2 is on the minus strand). VCF-style: chr11-36594150-T-C. GRCh37 (hg19) VCF-style: chr11-36615700-T-C.
Other names: NM_000536.4(RAG2):c.19A>G; p.Thr7Ala; c.19A>G, p.Thr7Ala (NM_001243785.2, NM_001243786.2); short protein forms T7A.
Identifiers: ClinVar variation 990457 (VCV000990457.1), dbSNP rs1851108814, ClinGen allele CA380145244.